The following is an entry in ClinVar:

NM_182641.4(BPTF):c.2060_2061delinsACCA (p.Leu687fs)

Gene: BPTF (bromodomain PHD finger transcription factor; plus strand). Cytogenetic location: 17q24.2.
Variant type: Indel.
Coding change: c.2060_2061delinsACCA on transcript NM_182641.4 (MANE Select); coding-DNA positions 2060 to 2061, TG replaced by ACCA.
Protein change: p.Leu687fs; shifts the reading frame from leucine 687.
Molecular consequence: frameshift variant.
Genome position (GRCh38, 1-based): chr17:67,893,374-67,893,375, TG replaced by ACCA. VCF-style: chr17-67893374-TG-ACCA. GRCh37 (hg19) VCF-style: chr17-65889490-TG-ACCA.
Other names: c.2438_2439delinsACCA, p.Leu813fs (NM_004459.7); short protein forms L687fs, L813fs.
Identifiers: ClinVar variation 3481708 (VCV003481708.1).
Genomic context (GRCh38, chr17:67,893,374, plus strand): 5'-GAAATTCACATCTTTGATTGACATAAATAATGCAGTCTTTTTATTTTTTTGGTCAGGTAC[TG>ACCA]GTAGTTAACTCTCAAGGAGAAATTTCACGGTTGAGCACCAAAAAGGAAGTGATCATGAAA-3'

ClinVar aggregate classification (germline): Pathogenic (1 of 4 stars; one submission).

Conditions:
Inborn genetic diseases. Identifiers: MedGen C0950123, MeSH D030342.

Submission:

Ambry Genetics
Classification: Pathogenic for Inborn genetic diseases. Last evaluated: 2024-10-10. Review status: criteria provided, single submitter. Criteria: Ambry Variant Classification Scheme 2023. Collection method: clinical testing. Allele origin: germline.
Comment: The c.2060_2061delTGinsACCA (p.L687Hfs*3) alteration, located in exon 6 (coding exon 6) of the BPTF gene, consists of an deletion of 2 and insertion of 4 nucleotides causing a translational frameshift at position 2060 with a predicted alternate stop codon after 3 amino acids. This alteration is expected to result in loss of function by premature protein truncation or nonsense-mediated mRNA decay. This variant was not reported in population-based cohorts in the Genome Aggregation Database (gnomAD). Based on the available evidence, this alteration is classified as pathogenic.